The following is an entry in ClinVar:

ClinVar aggregate classification (germline): Uncertain significance. Review status: criteria provided, multiple submitters, no conflicts (2 of 4 stars). 3 submissions from 3 submitters: Uncertain significance (3). Last evaluated 2024-05-13.

Conditions:
Autosomal recessive juvenile Parkinson disease 2. Also called: Parkinson disease, juvenile, type 2; Parkinson disease autosomal recessive, early onset; Juvenile parkinsonism; Parkinsonism, early onset, with diurnal fluctuation; PARKINSON DISEASE, JUVENILE, AUTOSOMAL RECESSIVE; PRKN-Related Early-Onset Parkinson Disease. Identifiers: Orphanet 2828, MedGen C1868675, MONDO:0010820, OMIM 600116.

Allele frequency attached by ClinVar (database versions not stated): gnomAD 0.00004 and 0.00009; TOPMed 0.00006; gnomAD exomes 0.00016.
gnomAD v4.1: 252 of 1,613,910 alleles (0.016%); highest among the groups gnomAD compares: South Asian, 0.14%; 1 homozygote.

Submissions (3):

Blueprint Genetics
Classification: Uncertain significance. Last evaluated: 2024-05-13. Review status: criteria provided, single submitter. Criteria: ACMG Guidelines, 2015. Collection method: clinical testing. Allele origin: germline.

Neuberg Centre For Genomic Medicine, NCGM
Classification: Uncertain significance for Autosomal recessive juvenile Parkinson disease 2. Last evaluated: 2023-06-22. Review status: criteria provided, single submitter. Criteria: ACMG Guidelines, 2015. Collection method: clinical testing. Allele origin: germline. Inheritance: Autosomal recessive inheritance. Affected: yes.
Comment: The missense variant c.838G>A p.Asp280Asn in the PRKN gene has been reported previously in individuals affected with Parkinson's Disease Bardien et al., 2009; Wang et al., 2008. The variant is absent in gnomAD Exomes. This variant has been reported to the ClinVar database as Uncertain Significance.The amino acid Aspartic acid at position 280 is changed to a Asparagine changing protein sequence and it might alter its composition and physico-chemical properties. Computational evidence Polyphen - Damaging, SIFT - Tolerated and MutationTaster - Polymorphism predicts conflicting evidence on protein structure and function for this variant. The reference residue is conserved by GERP++ and PhyloP across 100 vertebrates. For these reasons, this variant has been classified as Uncertain Significance.

Labcorp Genetics (formerly Invitae), Labcorp
Classification: Uncertain significance. Last evaluated: 2021-08-31. Review status: criteria provided, single submitter. Criteria: Invitae Variant Classification Sherloc (09022015). Collection method: clinical testing. Allele origin: germline.

NM_004562.3(PRKN):c.838G>A (p.Asp280Asn)

Gene: PRKN (parkin RBR E3 ubiquitin protein ligase; minus strand). Cytogenetic location: 6q26.
Variant type: single nucleotide variant.
Coding change: c.838G>A on transcript NM_004562.3 (MANE Select); coding-DNA position 838, G replaced by A.
Protein change: p.Asp280Asn; replaces aspartic acid 280 with asparagine.
Molecular consequence: missense variant.
Genome position (GRCh38, 1-based): chr6:161,785,805, C>T on the plus strand (G>A on the coding strand, the complement: PRKN is on the minus strand). VCF-style: chr6-161785805-C-T. GRCh37 (hg19) VCF-style: chr6-162206837-C-T.
Other names: c.754G>A, p.Asp252Asn (NM_013987.3); c.391G>A, p.Asp131Asn (NM_013988.3); short protein forms D280N, D252N, D131N.
Identifiers: ClinVar variation 579080 (VCV000579080.11), dbSNP rs72480422, ClinGen allele CA4090206.